The following is an entry in ClinVar:

NM_017952.6(PTCD3):c.597T>C (p.Gly199=)

Gene: PTCD3 (pentatricopeptide repeat domain 3; plus strand). Cytogenetic location: 2p11.2.
Variant type: single nucleotide variant.
Coding change: c.597T>C on transcript NM_017952.6 (MANE Select); coding-DNA position 597, T replaced by C.
Protein change: p.Gly199=; no amino-acid change (glycine 199 retained).
Molecular consequence: synonymous variant.
Genome position (GRCh38, 1-based): chr2:86,121,537, T>C. VCF-style: chr2-86121537-T-C. GRCh37 (hg19) VCF-style: chr2-86348660-T-C.
Identifiers: ClinVar variation 5039247 (VCV005039247.1).

ClinVar aggregate classification (germline): Likely benign (1 of 4 stars; one submission).

gnomAD v4.1: 64 of 1,611,740 alleles (0.004%); highest among the groups gnomAD compares: Non-Finnish European, 0.0048%; no homozygotes.

Submission:

CeGaT Center for Human Genetics Tuebingen
Classification: Likely benign. Last evaluated: 2026-08-01. Review status: criteria provided, single submitter. Criteria: CeGaT Center For Human Genetics Tuebingen Variant Classification Criteria Version 2. Collection method: clinical testing. Allele origin: germline. Affected: yes. Observed: 1 variant allele.
Comment: PTCD3: BP4, BP7